The following is an entry in ClinVar:

ClinVar aggregate classification (germline): Likely benign (1 of 4 stars; one submission).

Conditions:
TULP3-related condition.

gnomAD v4.1: 1 of 1,592,942 alleles (0.000063%); highest among the groups gnomAD compares: Non-Finnish European, 0.000085%; no homozygotes.

Submission:

PreventionGenetics, part of Exact Sciences
Classification: Likely benign for TULP3-related condition. Last evaluated: 2026-03-02. Review status: criteria provided, single submitter. Criteria: ACMG Guidelines, 2015. Collection method: clinical testing. Allele origin: germline.
Comment: This variant is classified as likely benign based on ACMG/AMP sequence variant interpretation guidelines (Richards et al. 2015 PMID: 25741868, with internal and published modifications).

NM_003324.5(TULP3):c.36C>A (p.Gly12=)

Gene: TULP3 (TUB like protein 3; plus strand). Cytogenetic location: 12p13.33.
Variant type: single nucleotide variant.
Coding change: c.36C>A on transcript NM_003324.5 (MANE Select); coding-DNA position 36, C replaced by A.
Protein change: p.Gly12=; no amino-acid change (glycine 12 retained).
Molecular consequence: synonymous variant.
Genome position (GRCh38, 1-based): chr12:2,890,983, C>A. VCF-style: chr12-2890983-C-A. GRCh37 (hg19) VCF-style: chr12-3000149-C-A.
Other names: c.36C>A, p.Gly12= (NM_001160408.2).
Identifiers: ClinVar variation 4993499 (VCV004993499.1).
Genomic context (GRCh38, chr12:2,890,983, plus strand): 5'-GGTGGGGGCTTCCTCGGTGGCGGGCATGGAGGCTTCGCGCTGCCGGCTCAGTCCCAGCGG[C>A]GACAGGTCAGACAGGGCCGTGGCAGGTCTCCTCCTGAGCGAGGCGGAGGGGCGAAGCGAG-3'
Protein context (NP_003315.2, residues 2-22): EASRCRLSPS[Gly12=]DSVFHEEMMK